The following is an entry in ClinVar:

NM_170707.4(LMNA):c.328C>A (p.Arg110Ser)

Gene: LMNA (lamin A/C; plus strand). Cytogenetic location: 1q22.
Variant type: single nucleotide variant.
Coding change: c.328C>A on transcript NM_170707.4 (MANE Select); coding-DNA position 328, C replaced by A.
Protein change: p.Arg110Ser; replaces arginine 110 with serine.
Molecular consequence: missense variant.
Genome position (GRCh38, 1-based): chr1:156,115,246, C>A. VCF-style: chr1-156115246-C-A. GRCh37 (hg19) VCF-style: chr1-156085037-C-A.
Other names: c.328C>A, p.Arg110Ser (NM_001282625.2, NM_001282626.2, NM_005572.4 and 1 more transcripts); short protein forms R110S.
Identifiers: ClinVar variation 424916 (VCV000424916.53), dbSNP rs1064797121, ClinGen allele CA16621577.

ClinVar aggregate classification (germline): Uncertain significance. Review status: criteria provided, multiple submitters, no conflicts (2 of 4 stars). 4 submissions from 4 submitters: Uncertain significance (4). Last evaluated 2024-02-22.

Conditions:
Charcot-Marie-Tooth disease type 2. Also called: Charcot-Marie-Tooth type 2. Identifiers: Orphanet 64746, MedGen C0270914, MONDO:0018993.
Cardiomyopathy (CMYO). Also called: Cardiomyopathies. Identifiers: Orphanet 167848, MedGen C0878544, MONDO:0004994, HP:0001638. Inheritance: Various modes of inheritance.
Primary dilated cardiomyopathy (DCM). Also called: Dilated Cardiomyopathy. Identifiers: Orphanet 217604, MedGen C0007193, MeSH D002311, MONDO:0005021, HP:0001644. Inheritance: Various modes of inheritance.

Allele frequency attached by ClinVar (database versions not stated): gnomAD exomes below 0.00001; gnomAD 0.00001.

Submissions (4):

All of Us Research Program, National Institutes of Health
Classification: Uncertain significance for Primary dilated cardiomyopathy. Last evaluated: 2024-02-22. Review status: criteria provided, single submitter. Criteria: ACMG Guidelines, 2015. Collection method: clinical testing. Allele origin: germline. Inheritance: Autosomal dominant inheritance. Observed: 2 variant alleles, 2 heterozygotes.
Comment: This missense variant replaces arginine with serine at codon 110 of the LMNA protein. Computational prediction is inconclusive regarding the impact of this variant on protein structure and function (internally defined REVEL score threshold 0.5 < inconclusive < 0.7, PMID: 27666373). Splice site prediction tools suggest that this variant may impact RNA splicing. To our knowledge, functional studies have not been reported for this variant. This variant has been reported in three unrelated individuals affected with dilated cardiomyopathy, and in three asymptomatic family members of one of these individuals (PMID: 23328570, 32880476; Botto et al., 2011). This variant has been identified in 1/242144 chromosomes in the general population by the Genome Aggregation Database (gnomAD). The available evidence is insufficient to determine the role of this variant in disease conclusively. Therefore, this variant is classified as a Variant of Uncertain Significance.

This study involves interpretation of variants in research participants for the purpose of population health screening. Participant phenotype was not available at the time of variant classification. Additional details can be found in publication PMID: 35346344, PMCID: PMC8962531

Labcorp Genetics (formerly Invitae), Labcorp
Classification: Uncertain significance for Charcot-Marie-Tooth disease type 2. Last evaluated: 2023-12-07. Review status: criteria provided, single submitter. Criteria: Invitae Variant Classification Sherloc (09022015). Collection method: clinical testing. Allele origin: germline.
Comment: This sequence change replaces arginine, which is basic and polar, with serine, which is neutral and polar, at codon 110 of the LMNA protein (p.Arg110Ser). The frequency data for this variant in the population databases is considered unreliable, as metrics indicate poor data quality at this position in the gnomAD database. This missense change has been observed in individual(s) with clinical features of LMNA-related conditions (PMID: 23328570, 32880476). ClinVar contains an entry for this variant (Variation ID: 424916). Advanced modeling of protein sequence and biophysical properties (such as structural, functional, and spatial information, amino acid conservation, physicochemical variation, residue mobility, and thermodynamic stability) performed at Invitae indicates that this missense variant is expected to disrupt LMNA protein function with a positive predictive value of 95%. Experimental studies have shown that this missense change does not substantially affect LMNA function (PMID: 34862408). Algorithms developed to predict the effect of sequence changes on RNA splicing suggest that this variant may create or strengthen a splice site. In summary, the available evidence is currently insufficient to determine the role of this variant in disease. Therefore, it has been classified as a Variant of Uncertain Significance.

Color Diagnostics, LLC DBA Color Health
Classification: Uncertain significance for Cardiomyopathy. Last evaluated: 2023-04-20. Review status: criteria provided, single submitter. Criteria: ACMG Guidelines, 2015. Collection method: clinical testing. Allele origin: germline.
Comment: This missense variant replaces arginine with serine at codon 110 of the LMNA protein. Computational prediction is inconclusive regarding the impact of this variant on protein structure and function (internally defined REVEL score threshold 0.5 < inconclusive < 0.7, PMID: 27666373). Splice site prediction tools suggest that this variant may impact RNA splicing. To our knowledge, functional studies have not been reported for this variant. This variant has been reported in three unrelated individuals affected with dilated cardiomyopathy, and in three asymptomatic family members of one of these individuals (PMID: 23328570, 32880476; Botto et al., 2011). This variant has been identified in 1/242144 chromosomes in the general population by the Genome Aggregation Database (gnomAD). The available evidence is insufficient to determine the role of this variant in disease conclusively. Therefore, this variant is classified as a Variant of Uncertain Significance.

CeGaT Center for Human Genetics Tuebingen
Classification: Uncertain significance. Last evaluated: 2023-04-01. Review status: criteria provided, single submitter. Criteria: CeGaT Center For Human Genetics Tuebingen Variant Classification Criteria Version 2. Collection method: clinical testing. Allele origin: germline. Affected: yes. Observed: 2 variant alleles.
Comment: LMNA: PM2, PP3

Literature cited by the submitters: PubMed 23328570 (cited by 3 submitters); PubMed 32880476 (cited by 3 submitters); PubMed 34862408 (cited by Labcorp Genetics (formerly Invitae), Labcorp).